The following is an entry in ClinVar:

NM_001111.5(ADAR):c.-48A>G

Genes: ADAR (adenosine deaminase RNA specific; minus strand), LOC129931512 (ATAC-STARR-seq lymphoblastoid silent region 1364; plus strand). Cytogenetic location: 1q21.3.
Variant type: single nucleotide variant.
Coding change: c.-48A>G on transcript NM_001111.5 (MANE Select); 48 bases upstream of the start codon, A replaced by G.
Molecular consequence: 5 prime UTR variant. On other transcripts: intron variant (4).
Genome position (GRCh38, 1-based): chr1:154,608,054, T>C on the plus strand (A>G on the coding strand, the complement: ADAR is on the minus strand). VCF-style: chr1-154608054-T-C. GRCh37 (hg19) VCF-style: chr1-154580530-T-C.
Other names: c.-48A>G (LRG_1212t1, NM_015840.4, NM_015841.4); c.-797A>G (NM_001365047.1, NM_001365049.1); c.-734-5428A>G (NM_001365046.1); c.43-5428A>G (NM_001365045.1); c.-870-5428A>G (NM_001025107.3); c.-871+697A>G (NM_001365048.1).
Identifiers: ClinVar variation 292787 (VCV000292787.5), dbSNP rs567807827, ClinGen allele CA1131806.

ClinVar aggregate classification (germline): Benign (1 of 4 stars; one submission).

Conditions:
Symmetrical dyschromatosis of extremities (DSH). Also called: Dyschromatosis symmetrica hereditaria; DYSCHROMATOSIS SYMMETRICA HEREDITARIA 1; RETICULATE ACROPIGMENTATION OF DOHI; SYMMETRIC DYSCHROMATOSIS OF THE EXTREMITIES. Identifiers: Orphanet 41, MedGen C0406775, MONDO:0007483, OMIM 127400.

Allele frequency attached by ClinVar (database versions not stated): gnomAD 0.00008 and 0.00007; TOPMed 0.00007; 1000 Genomes Project 0.00020.
gnomAD v4.1: 169 of 1,546,388 alleles (0.011%); highest among the groups gnomAD compares: South Asian, 0.025%; 1 homozygote.

Submission:

Illumina Laboratory Services, Illumina
Classification: Benign for Symmetrical dyschromatosis of extremities. Last evaluated: 2018-01-13. Review status: criteria provided, single submitter. Criteria: ICSL Variant Classification Criteria 13 December 2019. Collection method: clinical testing. Allele origin: germline.
Comment: This variant was observed in the ICSL laboratory as part of a predisposition screen in an ostensibly healthy population. It had not been previously curated by ICSL or reported in the Human Gene Mutation Database (HGMD: prior to June 1st, 2018), and was therefore a candidate for classification through an automated scoring system. Utilizing variant allele frequency, disease prevalence and penetrance estimates, and inheritance mode, an automated score was calculated to assess if this variant is too frequent to cause the disease. Based on the score and internal cut-off values, a variant classified as benign is not then subjected to further curation. The score for this variant resulted in a classification of benign for this disease.